The following is an entry in ClinVar:

NM_001148.6(ANK2):c.742G>A (p.Val248Met)

Gene: ANK2 (ankyrin 2; plus strand). Cytogenetic location: 4q26.
Variant type: single nucleotide variant.
Coding change: c.742G>A on transcript NM_001148.6 (MANE Select); coding-DNA position 742, G replaced by A.
Protein change: p.Val248Met; replaces valine 248 with methionine.
Molecular consequence: missense variant.
Genome position (GRCh38, 1-based): chr4:113,240,533, G>A. VCF-style: chr4-113240533-G-A. GRCh37 (hg19) VCF-style: chr4-114161689-G-A.
Other names: c.679G>A, p.Val227Met (NM_001127493.3, NM_001354239.2, NM_001354243.2 and 14 more transcripts); c.742G>A, p.Val248Met (NM_001354225.2, NM_001354228.2, NM_001354232.2 and 9 more transcripts); c.787G>A, p.Val263Met (NM_001354230.2, NM_001354231.2, NM_001354237.2 and 5 more transcripts); c.655G>A, p.Val219Met (NM_001354249.2, NM_001354260.2, NM_001354264.2 and 16 more transcripts); c.700G>A, p.Val234Met (NM_001354261.2, NM_001386147.1, NM_001386160.1); c.730G>A, p.Val244Met (NM_001354269.3, NM_001386148.2, NM_001386186.2); c.793G>A, p.Val265Met (NM_001386174.1); c.769G>A, p.Val257Met (NM_001386175.1); and 1 more; short protein forms V227M, V248M, V244M, V263M, V219M, V234M, V236M, V257M.
Identifiers: ClinVar variation 487591 (VCV000487591.9), dbSNP rs752395758, ClinGen allele CA3050104.

ClinVar aggregate classification (germline): Uncertain significance. Review status: criteria provided, single submitter (1 of 4 stars). 2 submissions from 2 submitters: Uncertain significance (1). 1 of the submissions does not count toward it. Last evaluated 2025-02-10.

Conditions:
Long QT syndrome (LQTS). Identifiers: MedGen C0023976, MeSH D008133, MONDO:0002442. Disease mechanism: loss of function. Inheritance: Various modes of inheritance.
Wolff-Parkinson-White pattern. Also called: WPW SYNDROME; Auriculoventricular accessory pathway syndrome; False bundle branch block syndrome; Anomalous ventricular excitation syndrome. Identifiers: MedGen C0043202, MONDO:0008685, OMIM 194200, HP:0001716.

Allele frequency attached by ClinVar (database versions not stated): gnomAD 0.00001; gnomAD exomes 0.00001; ExAC 0.00002; TOPMed 0.00002.
gnomAD v4.1: 8 of 1,613,812 alleles (0.0005%); highest among the groups gnomAD compares: Admixed American, 0.005%; no homozygotes.

Submissions (2):

Labcorp Genetics (formerly Invitae), Labcorp
Classification: Uncertain significance for Long QT syndrome. Last evaluated: 2025-02-10. Review status: criteria provided, single submitter. Criteria: Invitae Variant Classification Sherloc (09022015). Collection method: clinical testing. Allele origin: germline.
Comment: This sequence change replaces valine, which is neutral and non-polar, with methionine, which is neutral and non-polar, at codon 248 of the ANK2 protein (p.Val248Met). This variant is present in population databases (rs752395758, gnomAD 0.006%). This missense change has been observed in individual(s) with clinical features of ANK2-related conditions (PMID: 28191889, 32233023). ClinVar contains an entry for this variant (Variation ID: 487591). Invitae Evidence Modeling of protein sequence and biophysical properties (such as structural, functional, and spatial information, amino acid conservation, physicochemical variation, residue mobility, and thermodynamic stability) indicates that this missense variant is not expected to disrupt ANK2 protein function with a negative predictive value of 80%. In summary, the available evidence is currently insufficient to determine the role of this variant in disease. Therefore, it has been classified as a Variant of Uncertain Significance.

Lupski Lab, Baylor-Hopkins CMG, Baylor College of Medicine
Classification: Uncertain significance for Wolff-Parkinson-White pattern. Last evaluated: 2017-07-14. Review status: no assertion criteria provided. Collection method: research. Allele origin: unknown. Affected: yes. Observed: 1 variant allele. Study: Candidate_variants_in_patients_with_ Wolff-Parkinson-White Syndrome. Not counted in ClinVar's aggregate classification.

Literature cited by the submitters: PubMed 28191889 (cited by Labcorp Genetics (formerly Invitae), Labcorp); PubMed 32233023 (cited by Labcorp Genetics (formerly Invitae), Labcorp).